The following is an entry in ClinVar:

NM_000222.3(KIT):c.2586G>C (p.Leu862=)

Gene: KIT (KIT proto-oncogene, receptor tyrosine kinase; plus strand). Cytogenetic location: 4q12.
Variant type: single nucleotide variant.
Coding change: c.2586G>C on transcript NM_000222.3 (MANE Select); coding-DNA position 2586, G replaced by C.
Protein change: p.Leu862=; no amino-acid change (leucine 862 retained).
Molecular consequence: synonymous variant.
Genome position (GRCh38, 1-based): chr4:54,736,599, G>C. VCF-style: chr4-54736599-G-C. GRCh37 (hg19) VCF-style: chr4-55602765-G-C.
Other names: p.Leu862=; c.2574G>C, p.Leu858= (NM_001093772.2, NM_001385292.1); c.2589G>C, p.Leu863= (NM_001385284.1); c.2583G>C, p.Leu861= (NM_001385285.1); c.2571G>C, p.Leu857= (NM_001385286.1); c.2577G>C, p.Leu859= (NM_001385288.1); c.2586G>C, p.Leu862= (NM_001385290.1).
Identifiers: ClinVar variation 255572 (VCV000255572.25), dbSNP rs3733542, ClinGen allele CA2923796.

ClinVar aggregate classification (germline): Benign/Likely benign. Review status: criteria provided, multiple submitters, no conflicts (2 of 4 stars). 12 submissions from 10 submitters: Benign (8); Likely benign (4). Last evaluated 2026-06-05.

Conditions:
Hereditary cancer-predisposing syndrome. Also called: Hereditary Cancer Syndrome; Tumor predisposition; Hereditary neoplastic syndrome; Neoplastic Syndromes, Hereditary. Identifiers: Orphanet 140162, MedGen C0027672, MeSH D009386, MONDO:0015356.
Mastocytosis. Also called: Mast Cell Disease. Identifiers: Orphanet 98292, MedGen C0024899, MONDO:0007950, HP:0100495.
Gastrointestinal stromal tumor. Also called: Gastrointestinal stromal tumor, somatic; Gastrointestinal stroma tumor. Identifiers: Orphanet 44890, MedGen C0238198, MeSH D046152, MONDO:0011719, OMIM 606764, HP:0100723.
Piebaldism. Also called: Piebald skin depigmentation. Identifiers: Orphanet 2884, MedGen C0080024, MONDO:0008244, OMIM 172800, HP:0007544.

Allele frequency attached by ClinVar (database versions not stated): gnomAD exomes 0.10781 and 0.11517; ExAC 0.11586; gnomAD 0.16309 and 0.16755; 1000 Genomes Project 0.16414; 1000 Genomes Project 30x 0.16880; TOPMed 0.17367; ESP Exome Variant Server 0.19306.
gnomAD v4.1: 193,203 of 1,611,542 alleles (12%); highest among the groups gnomAD compares: African/African-American, 33%; 14,032 homozygotes.

Submissions (12):

Myriad Genetics, Inc.
Classification: Benign for Gastrointestinal stromal tumor. Last evaluated: 2026-06-05. Review status: criteria provided, single submitter. Criteria: Myriad Autosomal Dominant, Autosomal Recessive and X-Linked Classification Criteria (2023). Collection method: clinical testing. Allele origin: unknown.
Comment: This variant is considered benign. This variant is a silent/synonymous amino acid change and it is not expected to impact splicing.

Labcorp Genetics (formerly Invitae), Labcorp
Classification: Benign for Gastrointestinal stromal tumor. Last evaluated: 2026-02-04. Review status: criteria provided, single submitter. Criteria: Invitae Variant Classification Sherloc (09022015). Collection method: clinical testing. Allele origin: germline.

Blueprint Genetics
Classification: Benign. Last evaluated: 2024-11-26. Review status: criteria provided, single submitter. Criteria: ACMG Guidelines, 2015. Collection method: clinical testing. Allele origin: germline.

KCCC/NGS Laboratory, Kuwait Cancer Control Center
Classification: Benign for Gastrointestinal stromal tumor. Last evaluated: 2023-07-07. Review status: criteria provided, single submitter. Criteria: ACMG Guidelines, 2015. Collection method: clinical testing. Allele origin: germline. Affected: yes.

Mayo Clinic Laboratories, Mayo Clinic
Classification: Benign. Last evaluated: 2021-12-30. Review status: criteria provided, single submitter. Criteria: ACMG Guidelines, 2015. Collection method: clinical testing. Allele origin: germline. Observed: 119 variant alleles.
Comment: BA1

GeneDx
Classification: Benign. Last evaluated: 2019-03-15. Review status: criteria provided, single submitter. Criteria: GeneDx Variant Classification Process June 2021. Collection method: clinical testing. Allele origin: germline. Affected: yes.
Comment: This variant is associated with the following publications: (PMID: 16365291)

Ambry Genetics
Classification: Benign for Hereditary cancer-predisposing syndrome. Last evaluated: 2018-11-08. Review status: criteria provided, single submitter. Criteria: Ambry Variant Classification Scheme 2023. Collection method: clinical testing. Allele origin: germline.

Illumina Laboratory Services, Illumina
Classification: Likely benign for Cutaneous mastocytosis. Last evaluated: 2017-04-27. Review status: criteria provided, single submitter. Criteria: ICSL Variant Classification Criteria 13 December 2019. Collection method: clinical testing. Allele origin: germline.
Comment: This variant was observed as part of a predisposition screen in an ostensibly healthy population. A literature search was performed for the gene, cDNA change, and amino acid change (where applicable). No publications were found based on this search. Allele frequency data from public databases allowed determination this variant is unlikely to cause disease. Therefore, this variant is classified as likely benign.

Illumina Laboratory Services, Illumina
Classification: Likely benign for Piebaldism. Last evaluated: 2017-04-27. Review status: criteria provided, single submitter. Criteria: ICSL Variant Classification Criteria 13 December 2019. Collection method: clinical testing. Allele origin: germline.
Comment: the same text as in the submission from Illumina Laboratory Services, Illumina above.

Illumina Laboratory Services, Illumina
Classification: Likely benign for Gastrointestinal stromal tumor. Last evaluated: 2017-04-27. Review status: criteria provided, single submitter. Criteria: ICSL Variant Classification Criteria 13 December 2019. Collection method: clinical testing. Allele origin: germline.
Comment: the same text as in the submission from Illumina Laboratory Services, Illumina above.

Breakthrough Genomics
Classification: Likely benign. Review status: criteria provided, single submitter. Criteria: ACMG Guidelines, 2015. Collection method: not provided. Allele origin: germline. Inheritance: Autosomal dominant inheritance. Affected: yes.

PreventionGenetics, part of Exact Sciences
Classification: Benign. Review status: criteria provided, single submitter. Criteria: ACMG Guidelines, 2015. Collection method: clinical testing. Allele origin: germline.